The following is an entry in ClinVar:

NM_015978.3(TNNI3K):c.1712C>T (p.Ala571Val)

Genes: FPGT-TNNI3K (FPGT-TNNI3K readthrough; plus strand), TNNI3K (TNNI3 interacting kinase; plus strand). Cytogenetic location: 1p31.1.
Variant type: single nucleotide variant.
Coding change: c.1712C>T on transcript NM_015978.3 (MANE Select); coding-DNA position 1712, C replaced by T.
Protein change: p.Ala571Val; replaces alanine 571 with valine.
Molecular consequence: missense variant.
Genome position (GRCh38, 1-based): chr1:74,370,332, C>T. VCF-style: chr1-74370332-C-T. GRCh37 (hg19) VCF-style: chr1-74836016-C-T.
Other names: c.1712C>T (NM_015978.2); c.2015C>T, p.Ala672Val (NM_001112808.3, NM_001199327.2); short protein forms A571V, A672V.
Identifiers: ClinVar variation 3676453 (VCV003676453.3).
Genomic context (GRCh38, chr1:74,370,332, plus strand): 5'-TATTTTTAAATTCTAGGATTCTTGATTTGCAGTCTAAATTAATTATTGCAGTAGATGTTG[C>T]CAAAGGCATGGAGTACCTTCACAACCTGACACAGCCAATTATACATCGTGACTTGAACAG-3'
Protein context (NP_057062.1, residues 561-581): QSKLIIAVDV[Ala571Val]KGMEYLHNLT

ClinVar aggregate classification (germline): Uncertain significance. Review status: criteria provided, multiple submitters, no conflicts (2 of 4 stars). 2 submissions from 2 submitters: Uncertain significance (2). Last evaluated 2025-06-29.

Conditions:
Inborn genetic diseases. Identifiers: MedGen C0950123, MeSH D030342.

Submissions (2):

Ambry Genetics
Classification: Uncertain significance for Inborn genetic diseases. Last evaluated: 2025-06-29. Review status: criteria provided, single submitter. Criteria: Ambry Variant Classification Scheme 2023. Collection method: clinical testing. Allele origin: germline.

Labcorp Genetics (formerly Invitae), Labcorp
Classification: Uncertain significance. Last evaluated: 2024-08-28. Review status: criteria provided, single submitter. Criteria: Invitae Variant Classification Sherloc (09022015). Collection method: clinical testing. Allele origin: germline.
Comment: This sequence change replaces alanine, which is neutral and non-polar, with valine, which is neutral and non-polar, at codon 571 of the TNNI3K protein (p.Ala571Val). This variant is not present in population databases (gnomAD no frequency). This variant has not been reported in the literature in individuals affected with TNNI3K-related conditions. Invitae Evidence Modeling of protein sequence and biophysical properties (such as structural, functional, and spatial information, amino acid conservation, physicochemical variation, residue mobility, and thermodynamic stability) has been performed for this missense variant. However, the output from this modeling did not meet the statistical confidence thresholds required to predict the impact of this variant on TNNI3K protein function. In summary, the available evidence is currently insufficient to determine the role of this variant in disease. Therefore, it has been classified as a Variant of Uncertain Significance.